The following is an entry in ClinVar:

ClinVar aggregate classification (germline): Uncertain significance (1 of 4 stars; one submission).

Submission:

Ambry Genetics
Classification: Uncertain significance. Last evaluated: 2025-12-10. Review status: criteria provided, single submitter. Criteria: Ambry Variant Classification Scheme 2023. Collection method: clinical testing. Allele origin: germline.
Comment: The p.V239E variant (also known as c.716T>A), located in coding exon 3 of the GFI1 gene, results from a T to A substitution at nucleotide position 716. The valine at codon 239 is replaced by glutamic acid, an amino acid with dissimilar properties. This amino acid position is conserved. In addition, this alteration is predicted to be tolerated by in silico analysis. Based on the available evidence, the clinical significance of this variant remains unclear.

NM_005263.5(GFI1):c.716T>A (p.Val239Glu)

Gene: GFI1 (growth factor independent 1 transcriptional repressor; minus strand). Cytogenetic location: 1p22.1.
Variant type: single nucleotide variant.
Coding change: c.716T>A on transcript NM_005263.5 (MANE Select); coding-DNA position 716, T replaced by A.
Protein change: p.Val239Glu; replaces valine 239 with glutamic acid.
Molecular consequence: missense variant.
Genome position (GRCh38, 1-based): chr1:92,480,671, A>T on the plus strand (T>A on the coding strand, the complement: GFI1 is on the minus strand). VCF-style: chr1-92480671-A-T. GRCh37 (hg19) VCF-style: chr1-92946228-A-T.
Other names: c.716T>A, p.Val239Glu (NM_001127215.3, NM_001127216.3); short protein forms V239E.
Identifiers: ClinVar variation 4671610 (VCV004671610.1).